The following is an entry in ClinVar:

NM_033380.3(COL4A5):c.3943-1G>A

Gene: COL4A5 (collagen type IV alpha 5 chain; plus strand). Cytogenetic location: Xq22.3.
Variant type: single nucleotide variant.
Coding change: c.3943-1G>A on transcript NM_033380.3 (MANE Select); the canonical splice acceptor site of the intron before coding-DNA position 3943, G replaced by A.
Molecular consequence: splice acceptor variant.
Genome position (GRCh38, 1-based): chrX:108,680,678, G>A. VCF-style: chrX-108680678-G-A. GRCh37 (hg19) VCF-style: chrX-107923908-G-A.
Other names: c.3925-1G>A (NM_000495.5).
Identifiers: ClinVar variation 2737352 (VCV002737352.3), dbSNP rs281874725, ClinGen allele CA258969.

ClinVar aggregate classification (germline): Likely pathogenic (1 of 4 stars; one submission).

Submission:

Labcorp Genetics (formerly Invitae), Labcorp
Classification: Likely pathogenic. Last evaluated: 2023-07-28. Review status: criteria provided, single submitter. Criteria: Invitae Variant Classification Sherloc (09022015). Collection method: clinical testing. Allele origin: germline.
Comment: In summary, the currently available evidence indicates that the variant is pathogenic, but additional data are needed to prove that conclusively. Therefore, this variant has been classified as Likely Pathogenic. Algorithms developed to predict the effect of sequence changes on RNA splicing suggest that this variant may disrupt the consensus splice site. This variant is also known as 4127-1G>A. Disruption of this splice site has been observed in individual(s) with clinical features of Alport syndrome (PMID: 10094548; Invitae). This variant is not present in population databases (gnomAD no frequency). This sequence change affects an acceptor splice site in intron 42 of the COL4A5 gene. It is expected to disrupt RNA splicing. Variants that disrupt the donor or acceptor splice site typically lead to a loss of protein function (PMID: 16199547), and loss-of-function variants in COL4A5 are known to be pathogenic (PMID: 9195222, 10752524, 14514738, 24854265, 26809805).

Literature cited by the submitters: PubMed 10094548; PubMed 16199547; PubMed 9195222; PubMed 10752524; PubMed 14514738; PubMed 24854265; PubMed 26809805.